The following is an entry in ClinVar:

NM_021625.5(TRPV4):c.799del (p.Gln267fs)

Gene: TRPV4 (transient receptor potential cation channel subfamily V member 4; minus strand). Cytogenetic location: 12q24.11.
Variant type: Deletion.
Coding change: c.799del on transcript NM_021625.5 (MANE Select); coding-DNA position 799, one base deleted (C; older notation c.799delC).
Protein change: p.Gln267fs; shifts the reading frame from glutamine 267.
Molecular consequence: frameshift variant. On other transcripts: intron variant (2).
Genome position (GRCh38, 1-based): chr12:109,800,672, G deleted on the plus strand (C on the coding strand, the reverse complement: TRPV4 is on the minus strand); the first of 3 consecutive G bases (chr12:109,800,672-109,800,674); deleting any one gives the same sequence. VCF-style (leftmost placement, unchanged base first): chr12-109800671-TG-T. GRCh37 (hg19) VCF-style: chr12-110238476-TG-T.
Other names: c.695delC, p.Gln233Argfs (NM_001177431.2); c.797delC, p.Gln267Argfs (NM_147204.3); c.713-1760del (NM_001177433.1, NM_001177428.1); short protein forms Q233fs, Q267fs.
Identifiers: ClinVar variation 4883910 (VCV004883910.2).

ClinVar aggregate classification (germline): Uncertain significance (1 of 4 stars; one submission).

Submission:

Dasa
Classification: Uncertain significance. Last evaluated: 2026-02-10. Review status: criteria provided, single submitter. Criteria: DASA Assertion Criteria. Collection method: clinical testing. Allele origin: germline.
Comment: NM_021625.5(TRPV4):c.799del (p.Gln267Argfs*38) is a frameshift variant in TRPV4 predicted to alter the reading frame and introduce a premature termination codon. This variant is rare in population databases. The currently available literature and clinical evidence are not sufficient to establish a definitive association between this variant and the reported condition. Therefore, this variant is classified as a variant of uncertain significance.